The following is an entry in ClinVar:

ClinVar aggregate classification (germline): Likely pathogenic (1 of 4 stars; one submission).

Allele frequency attached by ClinVar (database versions not stated): gnomAD 0.00003 and 0.00001.
gnomAD v4.1: 1 of 1,614,012 alleles (0.000062%); highest among the groups gnomAD compares: African/African-American, 0.0013%; no homozygotes.

Submission:

GeneDx
Classification: Likely pathogenic. Last evaluated: 2014-03-26. Review status: criteria provided, single submitter. Criteria: GeneDx Variant Classification (06012015). Collection method: clinical testing. Allele origin: germline. Affected: yes.
Comment: p.Ser841Phe (TCC>TTC): c.2522 C>T in exon 13 of the PKP2 gene (NM_004572.3). To our knowledge, this variant has not been published as a mutation or as a benign polymorphism. The S841F variant was not observed in approximately 6,500 individuals of European and African American ancestry in the NHLBI Exome Sequencing Project, indicating it is not a common benign variant in these populations. The S841F variant is a non-conservative amino acid substitution, which is likely to impact secondary protein structure as these residues differ in polarity, charge, size and/or other properties. This substitution occurs at a position that is conserved across species. In silico analysis predicts this variant is probably damaging to the protein structure/function. A missense mutation in a nearby residue (L847P) has been reported in association with ARVC, supporting the functional importance of this region of the protein. Therefore, this variant is a strong candidate for a pathogenic mutation. However, the possibility that it is a benign variant cannot be excluded. The variant is found in CARDIOMYOPATHY panel(s).

NM_001005242.3(PKP2):c.2390C>T (p.Ser797Phe)

Gene: PKP2 (plakophilin 2; minus strand). Cytogenetic location: 12p11.21.
Variant type: single nucleotide variant.
Coding change: c.2390C>T on transcript NM_001005242.3 (MANE Select); coding-DNA position 2390, C replaced by T.
Protein change: p.Ser797Phe; replaces serine 797 with phenylalanine.
Molecular consequence: missense variant.
Genome position (GRCh38, 1-based): chr12:32,792,699, G>A on the plus strand (C>T on the coding strand, the complement: PKP2 is on the minus strand). VCF-style: chr12-32792699-G-A. GRCh37 (hg19) VCF-style: chr12-32945633-G-A.
Other names: p.S841F:TCC>TTC; c.2522C>T, p.Ser841Phe (NM_004572.4); short protein forms S841F, S797F.
Identifiers: ClinVar variation 201966 (VCV000201966.2), dbSNP rs794729099, ClinGen allele CA012120.